The following is an entry in ClinVar:

NM_001142800.2(EYS):c.2992G>A (p.Gly998Ser)

Gene: EYS (EGF-like photoreceptor maintenance factor; minus strand). Cytogenetic location: 6q12.
Variant type: single nucleotide variant.
Coding change: c.2992G>A on transcript NM_001142800.2 (MANE Select); coding-DNA position 2992, G replaced by A.
Protein change: p.Gly998Ser; replaces glycine 998 with serine.
Molecular consequence: missense variant.
Genome position (GRCh38, 1-based): chr6:64,886,697, C>T on the plus strand (G>A on the coding strand, the complement: EYS is on the minus strand). VCF-style: chr6-64886697-C-T. GRCh37 (hg19) VCF-style: chr6-65596590-C-T.
Other names: c.2992G>A, p.Gly998Ser (NM_001292009.2); short protein forms G998S.
Identifiers: ClinVar variation 954576 (VCV000954576.8), dbSNP rs1010982936, ClinGen allele CA140377012.
Genomic context (GRCh38, chr6:64,886,697, plus strand): 5'-GGTTTCTATTTGCTTGCAGACAGAAATATGTTGCTGCACATGGGACAGATATGGATTTAC[C>T]TGTATAACCAGGGGCACAGAGGCAGTTGTATCCATCAGTCCTGTAGACACAATTTTCTTC-3'
Protein context (NP_001136272.1, residues 988-1008): YNCLCAPGYT[Gly998Ser]INCEINLDEC

ClinVar aggregate classification (germline): Pathogenic/Likely pathogenic. Review status: criteria provided, multiple submitters, no conflicts (2 of 4 stars). 4 submissions from 4 submitters: Pathogenic (1); Likely pathogenic (1). 2 of the submissions do not count toward it. Last evaluated 2026-04-13.

Conditions:
EYS-related disorder. Also called: EYS-related condition.
Retinal dystrophy. Also called: Inherited retinal dystrophy. Identifiers: Orphanet 71862, MedGen C0854723, MeSH D058499, MONDO:0019118, HP:0000556.
Retinitis pigmentosa 25 (RP25). Identifiers: Orphanet 791, MedGen C1864446, MONDO:0011272, OMIM 602772.

Allele frequency attached by ClinVar (database versions not stated): gnomAD 0.00001 and 0.00002; gnomAD exomes 0.00002 and 0.00003; TOPMed 0.00002.
gnomAD v4.1: 37 of 1,542,726 alleles (0.0024%); highest among the groups gnomAD compares: Non-Finnish European, 0.003%; no homozygotes.

Submissions (4):

PreventionGenetics, part of Exact Sciences
Classification: Likely pathogenic for EYS-related condition. Last evaluated: 2026-04-13. Review status: criteria provided, single submitter. Criteria: ACMG Guidelines, 2015. Collection method: clinical testing. Allele origin: germline.
Comment: The EYS c.2992G>A variant is predicted to result in the amino acid substitution p.Gly998Ser. This variant affects the last nucleotide of exon 19 and is predicted to affect splicing at the canonical splice donor site (SpliceAI score 0.86, Jaganathon et al. 2019. PubMed ID: 30661751). This variant has been reported along with an EYS nonsense variant in an individual with retinal disease (Table S1, Lin et al. 2024. PubMed ID: 38219857). Alternate variants affecting this same splice site (c.2992+1G>A and c.2992+1G>T) have also been reported in individuals with retinal disease (Sengillo et al. 2018. PubMed ID: 29550188; reported as IVS19+1G>T, Gupta et al. 2022. PubMed ID: 36284670). This variant is present in 0.0054% of alleles in individuals of European (Non-Finnish) descent in gnomAD. This variant is interpreted as likely pathogenic.

Labcorp Genetics (formerly Invitae), Labcorp
Classification: Pathogenic. Last evaluated: 2025-10-22. Review status: criteria provided, single submitter. Criteria: Invitae Variant Classification Sherloc (09022015). Collection method: clinical testing. Allele origin: germline.
Comment: This sequence change replaces glycine, which is neutral and non-polar, with serine, which is neutral and polar, at codon 998 of the EYS protein (p.Gly998Ser). This variant also falls at the last nucleotide of exon 19, which is part of the consensus splice site for this exon. This variant is present in population databases (no rsID available, gnomAD 0.006%). This missense change has been observed in individual(s) with retinitis pigmentosa (internal data). In at least one individual the data is consistent with being in trans (on the opposite chromosome) from a pathogenic variant. ClinVar contains an entry for this variant (Variation ID: 954576). An algorithm developed to predict the effect of missense changes on protein structure and function (PolyPhen-2) suggests that this variant is likely to be disruptive. Variants that disrupt the consensus splice site are a relatively common cause of aberrant splicing (PMID: 17576681, 9536098). Algorithms developed to predict the effect of sequence changes on RNA splicing suggest that this variant may disrupt the consensus splice site. For these reasons, this variant has been classified as Pathogenic.

Institute of Human Genetics, Univ. Regensburg, Univ. Regensburg
Classification: Likely pathogenic for Retinal dystrophy. Last evaluated: 2022-01-01. Review status: no assertion criteria provided. Criteria: ACMG Guidelines, 2015. Collection method: clinical testing. Allele origin: germline. Affected: yes. Not counted in ClinVar's aggregate classification.

Natera, Inc.
Classification: Uncertain significance for Retinitis pigmentosa type 25. Last evaluated: 2020-07-20. Review status: no assertion criteria provided. Collection method: clinical testing. Allele origin: germline. Not counted in ClinVar's aggregate classification.

Literature cited by the submitters: PubMed 17576681 (cited by Labcorp Genetics (formerly Invitae), Labcorp); PubMed 9536098 (cited by Labcorp Genetics (formerly Invitae), Labcorp).